The following is an entry in ClinVar:

ClinVar aggregate classification (germline): Conflicting classifications of pathogenicity. Review status: criteria provided, conflicting classifications (1 of 4 stars). 4 submissions from 4 submitters: Uncertain significance (2); Likely benign (1). 1 of the submissions does not count toward it. Last evaluated 2026-04-09.

Conditions:
Congenital contractural arachnodactyly (CCA). Also called: BEALS SYNDROME; Beals-Hecht syndrome; Arthrogryposis, distal, type 9. Identifiers: Orphanet 115, MedGen C0220668, MONDO:0007363, OMIM 121050.
Familial thoracic aortic aneurysm and aortic dissection (TAAD). Also called: Thoracic aortic aneurysms and dissections. Identifiers: Orphanet 91387, MedGen C4707243, MONDO:0019625.

Allele frequency attached by ClinVar (database versions not stated): 1000 Genomes Project 0.00040; gnomAD exomes 0.00005; gnomAD 0.00003; ExAC 0.00009; TOPMed 0.00011; ESP Exome Variant Server 0.00016; 1000 Genomes Project 30x 0.00031.
gnomAD v4.1: 29 of 1,577,330 alleles (0.0018%); highest among the groups gnomAD compares: African/African-American, 0.032%; no homozygotes.

Submissions (4):

Ambry Genetics
Classification: Uncertain significance for Familial thoracic aortic aneurysm and aortic dissection. Last evaluated: 2026-04-09. Review status: criteria provided, single submitter. Criteria: Ambry Variant Classification Scheme 2023. Collection method: clinical testing. Allele origin: germline.
Comment: The p.Q31H variant (also known as c.93G>T), located in coding exon 1 of the FBN2 gene, results from a G to T substitution at nucleotide position 93. The glutamine at codon 31 is replaced by histidine, an amino acid with highly similar properties. This amino acid position is conserved. In addition, this alteration is predicted to be tolerated by in silico analysis. Based on the available evidence, the clinical significance of this variant remains unclear.

Labcorp Genetics (formerly Invitae), Labcorp
Classification: Likely benign for Congenital contractural arachnodactyly. Last evaluated: 2025-08-12. Review status: criteria provided, single submitter. Criteria: Invitae Variant Classification Sherloc (09022015). Collection method: clinical testing. Allele origin: germline.

GeneDx
Classification: Uncertain significance. Last evaluated: 2018-12-26. Review status: criteria provided, single submitter. Criteria: GeneDx Variant Classification Process June 2021. Collection method: clinical testing. Allele origin: germline. Affected: yes.
Comment: Has not been previously published as pathogenic or benign to our knowledge; In silico analysis, which includes protein predictors and evolutionary conservation, supports that this variant does not alter protein structure/function; Does not affect a cysteine residue within a calcium-binding EGF-like domain of the FBN2 gene; cysteine substitutions in the calcium-binding EGF-like domains represent the majority of pathogenic missense changes associated with FBN2 related disorders (Collod-Beroud et al., 2003; Frederic et al., 2009).

Department of Pathology and Laboratory Medicine, Sinai Health System
Classification: Uncertain significance. Review status: no assertion criteria provided. Collection method: clinical testing. Allele origin: unknown. Affected: yes. Study: The Canadian Open Genetics Repository (COGR). Not counted in ClinVar's aggregate classification.
Comment: The FBN2 p.Gln31His variant was not identified in the literature nor was it identified in Cosmic or LOVD 3.0. The variant was identified in dbSNP (ID: rs371491169) and in ClinVar (classified as likely benign by GeneDx.) The variant was also identified in control databases in 10 of 214970 chromosomes at a frequency of 0.000047 (Genome Aggregation Database Feb 27, 2017). The variant was observed in the following populations: African in 9 of 19356 chromosomes (freq: 0.000465) and Latino in 1 of 29282 chromosomes (freq: 0.000034), while the variant was not observed in the Ashkenazi Jewish, East Asian, European (Finnish), European (non-Finnish), Other and South Asian populations. The variant occurs outside of the splicing consensus sequence and in silico or computational prediction software programs (SpliceSiteFinder, MaxEntScan, NNSPLICE, GeneSplicer) do not predict a difference in splicing. The p.Gln31 residue is not conserved in mammals and all computational analyses (PolyPhen-2, SIFT, AlignGVGD, BLOSUM, MutationTaster) do not suggest a high likelihood of impact to the protein; however, this information is not predictive enough to rule out pathogenicity. In summary, based on the above information the clinical significance of this variant cannot be determined with certainty at this time. This variant is classified as a variant of uncertain significance.

NM_001999.4(FBN2):c.93G>T (p.Gln31His)

Gene: FBN2 (fibrillin 2; minus strand). Cytogenetic location: 5q23.3.
Variant type: single nucleotide variant.
Coding change: c.93G>T on transcript NM_001999.4 (MANE Select); coding-DNA position 93, G replaced by T.
Protein change: p.Gln31His; replaces glutamine 31 with histidine.
Molecular consequence: missense variant.
Genome position (GRCh38, 1-based): chr5:128,537,511, C>A on the plus strand (G>T on the coding strand, the complement: FBN2 is on the minus strand). VCF-style: chr5-128537511-C-A. GRCh37 (hg19) VCF-style: chr5-127873204-C-A.
Other names: short protein forms Q31H.
Identifiers: ClinVar variation 510894 (VCV000510894.14), dbSNP rs371491169, ClinGen allele CA3396229.
Genomic context (GRCh38, chr5:128,537,511, plus strand): 5'-TGTAGCGGACCGAACCTGTTGCGGCGGCGGCTGGGGCCGGGGCGGCTTGGGCGGAGGAGG[C>A]TGAGGCTGGCCGGCCGTGCCCTGCGCCCAGAGCACCACACAGCCCAGCCACAGGAAGTAG-3'
Protein context (NP_001990.2, residues 21-41): LWAQGTAGQP[Gln31His]PPPPKPPRPQ